The following is an entry in ClinVar:

ClinVar aggregate classification (germline): Uncertain significance (1 of 4 stars; one submission).

gnomAD v4.1: 9 of 1,606,942 alleles (0.00056%); highest among the groups gnomAD compares: Non-Finnish European, 0.00076%; no homozygotes.

Submission:

Labcorp Genetics (formerly Invitae), Labcorp
Classification: Uncertain significance. Last evaluated: 2026-01-01. Review status: criteria provided, single submitter. Criteria: Invitae Variant Classification Sherloc (09022015). Collection method: clinical testing. Allele origin: germline.
Comment: This sequence change replaces glycine, which is neutral and non-polar, with arginine, which is basic and polar, at codon 193 of the MYO18B protein (p.Gly193Arg). This variant is present in population databases (rs770135040, gnomAD 0.0009%). This variant has not been reported in the literature in individuals affected with MYO18B-related conditions. An algorithm developed to predict the effect of missense changes on protein structure and function outputs the following: PolyPhen-2: "Benign". The arginine amino acid residue is found in multiple mammalian species, which suggests that this missense change does not adversely affect protein function. In summary, the available evidence is currently insufficient to determine the role of this variant in disease. Therefore, it has been classified as a Variant of Uncertain Significance.

NM_032608.7(MYO18B):c.577G>A (p.Gly193Arg)

Gene: MYO18B (myosin XVIIIB; plus strand). Cytogenetic location: 22q12.1.
Variant type: single nucleotide variant.
Coding change: c.577G>A on transcript NM_032608.7 (MANE Select); coding-DNA position 577, G replaced by A.
Protein change: p.Gly193Arg; replaces glycine 193 with arginine.
Molecular consequence: missense variant.
Genome position (GRCh38, 1-based): chr22:25,768,493, G>A. VCF-style: chr22-25768493-G-A. GRCh37 (hg19) VCF-style: chr22-26164460-G-A.
Other names: c.577G>A, p.Gly193Arg (NM_001318245.2); short protein forms G193R.
Identifiers: ClinVar variation 4699799 (VCV004699799.1).